The following is an entry in ClinVar:

NM_001164508.2(NEB):c.24107T>G (p.Phe8036Cys)

Genes: NEB (nebulin; minus strand), RIF1 (replication timing regulatory factor 1; plus strand). Cytogenetic location: 2q23.3.
Variant type: single nucleotide variant.
Coding change: c.24107T>G on transcript NM_001164508.2 (MANE Select); coding-DNA position 24107, T replaced by G.
Protein change: p.Phe8036Cys; replaces phenylalanine 8036 with cysteine.
Molecular consequence: missense variant. On other transcripts: intron variant (1).
Genome position (GRCh38, 1-based): chr2:151,499,305, A>C on the plus strand (T>G on the coding strand, the complement: NEB is on the minus strand). VCF-style: chr2-151499305-A-C. GRCh37 (hg19) VCF-style: chr2-152355819-A-C.
Other names: c.24107T>G, p.Phe8036Cys (NM_001164507.2); c.24212T>G, p.Phe8071Cys (NM_001271208.2); c.18826-2937T>G (NM_004543.5); short protein forms F8036C, F8071C.
Identifiers: ClinVar variation 2141805 (VCV002141805.1), dbSNP rs1291985158, ClinGen allele CA348779366.
Genomic context (GRCh38, chr2:151,499,305, plus strand): 5'-ATCTTTTTAAACATTTTTTTAAATAATTAAAGGGATTTTTTATTTTTAAATACCGAACTA[A>C]AGTTTTCTTGATTGTGTTTGACTCTCTCCATCTCTGGAGTGATGGGGATTGGAATCCCTT-3'
Protein context (NP_001157980.2, residues 8026-8046): MERVKHNQEN[Phe8036Cys]SSVLYKENLG

ClinVar aggregate classification (germline): Uncertain significance (1 of 4 stars; one submission).

Conditions:
Nemaline myopathy 2 (NEM2). Also called: Nemaline myopathy 2, autosomal recessive. Identifiers: MedGen C1850569, MONDO:0009725, OMIM 256030.

Allele frequency attached by ClinVar (database versions not stated): gnomAD exomes below 0.00001; TOPMed 0.00001.
gnomAD v4.1: 1 of 1,499,136 alleles (0.000067%); highest among the groups gnomAD compares: Admixed American, 0.0021%; no homozygotes.

Submission:

Labcorp Genetics (formerly Invitae), Labcorp
Classification: Uncertain significance for Nemaline myopathy 2. Last evaluated: 2021-08-24. Review status: criteria provided, single submitter. Criteria: Invitae Variant Classification Sherloc (09022015). Collection method: clinical testing. Allele origin: germline.
Comment: This sequence change replaces phenylalanine with cysteine at codon 8071 of the NEB protein (p.Phe8071Cys). The phenylalanine residue is weakly conserved and there is a large physicochemical difference between phenylalanine and cysteine. This variant is not present in population databases (ExAC no frequency). This variant has not been reported in the literature in individuals affected with NEB-related conditions. Algorithms developed to predict the effect of missense changes on protein structure and function are either unavailable or do not agree on the potential impact of this missense change (SIFT: "Deleterious"; PolyPhen-2: "Not Available"; Align-GVGD: "Class C0"). In summary, the available evidence is currently insufficient to determine the role of this variant in disease. Therefore, it has been classified as a Variant of Uncertain Significance.